The following is an entry in ClinVar:

NM_006941.4(SOX10):c.998G>A (p.Trp333Ter)

Genes: POLR2F (RNA polymerase II, I and III subunit F; plus strand), SOX10 (SRY-box transcription factor 10; minus strand). Cytogenetic location: 22q13.1.
Variant type: single nucleotide variant.
Coding change: c.998G>A on transcript NM_006941.4 (MANE Select); coding-DNA position 998, G replaced by A.
Protein change: p.Trp333Ter; replaces tryptophan 333 with a stop codon.
Molecular consequence: nonsense. On other transcripts: intron variant (3).
Genome position (GRCh38, 1-based): chr22:37,973,898, C>T on the plus strand (G>A on the coding strand, the complement: SOX10 is on the minus strand). VCF-style: chr22-37973898-C-T. GRCh37 (hg19) VCF-style: chr22-38369905-C-T.
Other names: c.*38+1588C>T (NM_001363825.1); c.293+6728C>T (NM_001301130.2, NM_001301131.2); short protein forms W333*.
Identifiers: ClinVar variation 2875340 (VCV002875340.3), dbSNP rs2518042080, ClinGen allele CA411492034.
Genomic context (GRCh38, chr22:37,973,898, plus strand): 5'-TTGGCATCCACACCAGGTGGTGAGACCGTGGGCAGAGCCACGCCTGGTGGCTTGGAGATC[C>T]AGGCGGAGTGTCCACTGGCCACGGCCAGGGCACTGCCCAGCCCATAGCCGGCTGCTGAGT-3'

ClinVar aggregate classification (germline): Pathogenic (1 of 4 stars; one submission).

Submission:

Labcorp Genetics (formerly Invitae), Labcorp
Classification: Pathogenic. Last evaluated: 2023-10-29. Review status: criteria provided, single submitter. Criteria: Invitae Variant Classification Sherloc (09022015). Collection method: clinical testing. Allele origin: germline.
Comment: This sequence change creates a premature translational stop signal (p.Trp333*) in the SOX10 gene. While this is not anticipated to result in nonsense mediated decay, it is expected to disrupt the last 134 amino acid(s) of the SOX10 protein. This variant is not present in population databases (gnomAD no frequency). This premature translational stop signal has been observed in individual(s) with SOX10-related conditions (PMID: 33442024). This variant disrupts a region of the SOX10 protein in which other variant(s) (p.Gln364*) have been determined to be pathogenic (PMID: 15004559). This suggests that this is a clinically significant region of the protein, and that variants that disrupt it are likely to be disease-causing. For these reasons, this variant has been classified as Pathogenic.

Literature cited by the submitters: PubMed 33442024; PubMed 15004559.